The following is an entry in ClinVar:

NM_024854.5(PYROXD1):c.1158A>C (p.Ala386=)

Gene: PYROXD1 (pyridine nucleotide-disulphide oxidoreductase domain 1; plus strand). Cytogenetic location: 12p12.1.
Variant type: single nucleotide variant.
Coding change: c.1158A>C on transcript NM_024854.5 (MANE Select); coding-DNA position 1158, A replaced by C.
Protein change: p.Ala386=; no amino-acid change (alanine 386 retained).
Molecular consequence: synonymous variant.
Genome position (GRCh38, 1-based): chr12:21,467,522, A>C. VCF-style: chr12-21467522-A-C. GRCh37 (hg19) VCF-style: chr12-21620456-A-C.
Other names: p.Ala386=; c.945A>C, p.Ala315= (NM_001350912.2); c.381A>C, p.Ala127= (NM_001350913.2).
Identifiers: ClinVar variation 723435 (VCV000723435.11), dbSNP rs139684530, ClinGen allele CA6478479.

ClinVar aggregate classification (germline): Benign/Likely benign. Review status: criteria provided, multiple submitters, no conflicts (2 of 4 stars). 2 submissions from 2 submitters: Benign (1); Likely benign (1). Last evaluated 2025-12-22.

Allele frequency attached by ClinVar (database versions not stated): gnomAD exomes 0.00019 and 0.00056; ExAC 0.00064; gnomAD 0.00194 and 0.00204; TOPMed 0.00223; ESP Exome Variant Server 0.00269; 1000 Genomes Project 30x 0.00297; 1000 Genomes Project 0.00339.
gnomAD v4.1: 594 of 1,612,132 alleles (0.037%); highest among the groups gnomAD compares: African/African-American, 0.69%; 2 homozygotes.

Submissions (2):

Labcorp Genetics (formerly Invitae), Labcorp
Classification: Benign. Last evaluated: 2025-12-22. Review status: criteria provided, single submitter. Criteria: Invitae Variant Classification Sherloc (09022015). Collection method: clinical testing. Allele origin: germline.

Mayo Clinic Laboratories, Mayo Clinic
Classification: Likely benign. Last evaluated: 2025-07-17. Review status: criteria provided, single submitter. Criteria: ACMG Guidelines, 2015. Collection method: clinical testing. Allele origin: germline. Observed: 1 variant allele.
Comment: BS1, BP4, BP7